The following is an entry in ClinVar:

ClinVar aggregate classification (germline): Pathogenic/Likely pathogenic. Review status: criteria provided, multiple submitters, no conflicts (2 of 4 stars). 5 submissions from 5 submitters: Pathogenic (2); Likely pathogenic (1). 2 of the submissions do not count toward it. Last evaluated 2026-08-04.

Conditions:
Primary hyperoxaluria, type I (HP1). Also called: GLYCOLIC ACIDURIA; HEPATIC AGT DEFICIENCY; OXALOSIS I; Primary hyperoxaluria type 1. Identifiers: Orphanet 416, Orphanet 93598, MedGen C0268164, MONDO:0009823, OMIM 259900. Disease mechanism: loss of function.

Allele frequency attached by ClinVar (database versions not stated): TOPMed below 0.00001.

Submissions (5):

Myriad Genetics, Inc.
Classification: Pathogenic for Primary hyperoxaluria, type I. Last evaluated: 2026-08-04. Review status: criteria provided, single submitter. Criteria: Myriad Autosomal Dominant, Autosomal Recessive and X-Linked Classification Criteria (2023). Collection method: clinical testing. Allele origin: unknown.
Comment: NM_000030.2(AGXT):c.943-1G>T is a variant in a canonical splice site classified as pathogenic in the context of primary hyperoxaluria type 1. c.943-1G>T has been observed in cases with relevant disease (PMID: 25629080, 35812297). Relevant functional assessments of this variant are not available in the literature. c.943-1G>T has not been observed in referenced population frequency databases. In summary, NM_000030.2(AGXT):c.943-1G>T is a variant in a canonical splice site in a gene where loss of function is a known mechanism of disease, is predicted to disrupt protein function, and has been observed more frequently in cases with the relevant disease than in healthy populations. Please note: this variant was assessed in the context of healthy population screening.

Baylor Genetics
Classification: Pathogenic for Primary hyperoxaluria, type I. Last evaluated: 2024-02-21. Review status: criteria provided, single submitter. Criteria: ACMG Guidelines, 2015. Collection method: clinical testing. Allele origin: unknown.

Labcorp Genetics (formerly Invitae), Labcorp
Classification: Likely pathogenic. Last evaluated: 2023-04-13. Review status: criteria provided, single submitter. Criteria: Invitae Variant Classification Sherloc (09022015). Collection method: clinical testing. Allele origin: germline.
Comment: This sequence change affects an acceptor splice site in intron 9 of the AGXT gene. It is expected to disrupt RNA splicing. Variants that disrupt the donor or acceptor splice site typically lead to a loss of protein function (PMID: 16199547), and loss-of-function variants in AGXT are known to be pathogenic (PMID: 19479957). This variant is not present in population databases (gnomAD no frequency). Disruption of this splice site has been observed in individual(s) with autosomal recessive primary hyperoxaluria type 1 (PMID: 25629080). ClinVar contains an entry for this variant (Variation ID: 204170). Algorithms developed to predict the effect of sequence changes on RNA splicing suggest that this variant may disrupt the consensus splice site. In summary, the currently available evidence indicates that the variant is pathogenic, but additional data are needed to prove that conclusively. Therefore, this variant has been classified as Likely Pathogenic.

Counsyl
Classification: Likely pathogenic for Primary hyperoxaluria, type I. Last evaluated: 2016-11-02. Review status: no assertion criteria provided. Collection method: clinical testing. Allele origin: unknown. Not counted in ClinVar's aggregate classification.

Clinical Biochemistry Laboratory, Health Services Laboratory
Classification: Pathogenic for Primary hyperoxaluria, type I. Last evaluated: 2014-11-27. Review status: no assertion criteria provided. Collection method: research. Allele origin: germline. Affected: yes. Not counted in ClinVar's aggregate classification.

Literature cited by the submitters: PubMed 25629080 (cited by 3 submitters); PubMed 35812297 (cited by Myriad Genetics, Inc.); PubMed 16199547 (cited by Labcorp Genetics (formerly Invitae), Labcorp); PubMed 19479957 (cited by Labcorp Genetics (formerly Invitae), Labcorp and Clinical Biochemistry Laboratory, Health Services Laboratory).

NM_000030.3(AGXT):c.943-1G>T

Gene: AGXT (alanine--glyoxylate aminotransferase; plus strand). Cytogenetic location: 2q37.3.
Variant type: single nucleotide variant.
Coding change: c.943-1G>T on transcript NM_000030.3 (MANE Select); the canonical splice acceptor site of the intron before coding-DNA position 943, G replaced by T.
Molecular consequence: splice acceptor variant.
Genome position (GRCh38, 1-based): chr2:240,878,021, G>T. VCF-style: chr2-240878021-G-T. GRCh37 (hg19) VCF-style: chr2-241817438-G-T.
Identifiers: ClinVar variation 204170 (VCV000204170.9), dbSNP rs180177298, ClinGen allele CA275810.